The following is an entry in ClinVar:

NM_032119.4(ADGRV1):c.17856+5_17856+7del

Gene: ADGRV1 (adhesion G protein-coupled receptor V1; plus strand). Cytogenetic location: 5q14.3.
Variant type: Deletion.
Coding change: c.17856+5_17856+7del on transcript NM_032119.4 (MANE Select); bases 5 to 7 of the intron after coding-DNA position 17856, 3 bases deleted (GAG; older notation c.17856+5_17856+7delGAG).
Molecular consequence: intron variant.
Genome position (GRCh38, 1-based): chr5:90,863,862-90,863,864, GAG deleted; deleting any 3 consecutive bases within chr5:90,863,860-90,863,864 gives the same sequence; the c. name uses the placement nearest the transcript's 3' end. VCF-style (leftmost placement, unchanged base first): chr5-90863859-TAGG-T. GRCh37 (hg19) VCF-style: chr5-90159676-TAGG-T.
Identifiers: ClinVar variation 1947516 (VCV001947516.3), dbSNP rs757892502, ClinGen allele CA3342470.

ClinVar aggregate classification (germline): Uncertain significance. Review status: criteria provided, multiple submitters, no conflicts (2 of 4 stars). 2 submissions from 2 submitters: Uncertain significance (2). Last evaluated 2023-12-07.

Submissions (2):

Blueprint Genetics
Classification: Uncertain significance. Last evaluated: 2023-12-07. Review status: criteria provided, single submitter. Criteria: ACMG Guidelines, 2015. Collection method: clinical testing. Allele origin: germline.

Labcorp Genetics (formerly Invitae), Labcorp
Classification: Uncertain significance. Last evaluated: 2021-12-13. Review status: criteria provided, single submitter. Criteria: Invitae Variant Classification Sherloc (09022015). Collection method: clinical testing. Allele origin: germline.
Comment: This sequence change falls in intron 83 of the ADGRV1 gene. It does not directly change the encoded amino acid sequence of the ADGRV1 protein. It affects a nucleotide within the consensus splice site. This variant is present in population databases (rs757892502, gnomAD 0.0009%). This variant has not been reported in the literature in individuals affected with ADGRV1-related conditions. Variants that disrupt the consensus splice site are a relatively common cause of aberrant splicing (PMID: 17576681, 9536098). Algorithms developed to predict the effect of sequence changes on RNA splicing suggest that this variant may disrupt the consensus splice site. In summary, the available evidence is currently insufficient to determine the role of this variant in disease. Therefore, it has been classified as a Variant of Uncertain Significance.

Literature cited by the submitters: PubMed 17576681 (cited by Labcorp Genetics (formerly Invitae), Labcorp); PubMed 9536098 (cited by Labcorp Genetics (formerly Invitae), Labcorp).